The following is an entry in ClinVar:

ClinVar aggregate classification (germline): Uncertain significance. Review status: criteria provided, multiple submitters, no conflicts (2 of 4 stars). 3 submissions from 3 submitters: Uncertain significance (3). Last evaluated 2025-10-20.

Conditions:
Diffuse midline glioma, H3 K27-altered. Identifiers: MedGen C5669877, MONDO:1060171.
Hereditary cancer-predisposing syndrome. Also called: Neoplastic Syndromes, Hereditary; Tumor predisposition; Hereditary neoplastic syndrome; Hereditary Cancer Syndrome. Identifiers: Orphanet 140162, MedGen C0027672, MeSH D009386, MONDO:0015356.

Submissions (3):

Labcorp Genetics (formerly Invitae), Labcorp
Classification: Uncertain significance. Last evaluated: 2025-10-20. Review status: criteria provided, single submitter. Criteria: Invitae Variant Classification Sherloc (09022015). Collection method: clinical testing. Allele origin: germline.
Comment: This variant, c.2385_2396del, results in the deletion of 4 amino acid(s) of the MSH3 protein (p.Arg796_Leu799del), but otherwise preserves the integrity of the reading frame. This variant is not present in population databases (gnomAD no frequency). This variant has not been reported in the literature in individuals affected with MSH3-related conditions. ClinVar contains an entry for this variant (Variation ID: 661859). Experimental studies and prediction algorithms are not available or were not evaluated, and the functional significance of this variant is currently unknown. Algorithms developed to predict the effect of sequence changes on RNA splicing suggest that this variant may disrupt the consensus splice site. In summary, the available evidence is currently insufficient to determine the role of this variant in disease. Therefore, it has been classified as a Variant of Uncertain Significance.

Ambry Genetics
Classification: Uncertain significance for Hereditary cancer-predisposing syndrome. Last evaluated: 2024-04-03. Review status: criteria provided, single submitter. Criteria: Ambry Variant Classification Scheme 2023. Collection method: clinical testing. Allele origin: germline.
Comment: The c.2385_2396del12 variant (also known as p.R796_L799del) is located in coding exon 17 of the MSH3 gene. This variant results from an in-frame CCGGGAGCAGCT deletion at nucleotide positions 2385 to 2396. This results in the in-frame deletion of four amino acids at codon positions 796 to 799. This amino acid region is highly conserved in available vertebrate species. In addition, this alteration is predicted to be deleterious by in silico analysis (Choi Y et al. PLoS ONE. 2012; 7(10):e46688). Since supporting evidence is limited at this time, the clinical significance of this alteration remains unclear.

Laboratory of Medical Genetics Unit, Bambino Gesù Children's Hospital
Classification: Uncertain significance for Diffuse midline glioma, H3 K27-altered. Last evaluated: 2022-04-08. Review status: criteria provided, single submitter. Criteria: ACMG Guidelines, 2015. Collection method: research. Allele origin: germline. Affected: yes. Observed: 1 heterozygote.

NM_002439.5(MSH3):c.2385_2396del (p.Arg796_Leu799del)

Gene: MSH3 (mutS homolog 3; plus strand). Cytogenetic location: 5q14.1.
Variant type: Deletion.
Coding change: c.2385_2396del on transcript NM_002439.5 (MANE Select); coding-DNA positions 2385 to 2396, 12 bases deleted (CCGGGAGCAGCT).
Protein change: p.Arg796_Leu799del.
Molecular consequence: inframe deletion.
Genome position (GRCh38, 1-based): chr5:80,778,786-80,778,797, CCGGGAGCAGCT deleted; deleting any 12 consecutive bases within chr5:80,778,781-80,778,797 gives the same sequence; the c. name uses the placement nearest the transcript's 3' end. VCF-style (leftmost placement, unchanged base first): chr5-80778780-TCAGCTCCGGGAG-T. GRCh37 (hg19) VCF-style: chr5-80074599-TCAGCTCCGGGAG-T.
Other names: c.2380_2391del (NM_002439.5); c.2385_2396del (NM_002439.4).
Identifiers: ClinVar variation 661859 (VCV000661859.14), dbSNP rs1580045595, ClinGen allele CA915943365.
Genomic context (GRCh38, chr5:80,778,780, plus strand): 5'-CACAAAAGCTGTGAGCCGCTTTCACTCTCCTTTTATTGTAGAAAATTACAGACATCTGAA[TCAGCTCCGGGAG>T]CAGCTAGTCCTTGACTGCAGTGCTGAATGGCTTGATTTTCTAGAGTGAGTTTACAATGAA-3'